The following is an entry in ClinVar:

NM_000257.4(MYH7):c.3749G>A (p.Arg1250Gln)

Gene: MYH7 (myosin heavy chain 7; minus strand). Cytogenetic location: 14q11.2.
Variant type: single nucleotide variant.
Coding change: c.3749G>A on transcript NM_000257.4 (MANE Select); coding-DNA position 3749, G replaced by A.
Protein change: p.Arg1250Gln; replaces arginine 1250 with glutamine.
Molecular consequence: missense variant.
Genome position (GRCh38, 1-based): chr14:23,419,587, C>T on the plus strand (G>A on the coding strand, the complement: MYH7 is on the minus strand). VCF-style: chr14-23419587-C-T. GRCh37 (hg19) VCF-style: chr14-23888796-C-T.
Other names: c.3749G>A, p.Arg1250Gln (NM_001407004.1); short protein forms R1250Q.
Identifiers: ClinVar variation 2089214 (VCV002089214.5), dbSNP rs540263945, ClinGen allele CA038693.
Genomic context (GRCh38, chr14:23,419,587, plus strand): 5'-ACAGAACGCTGGGTCTCCTCCGCCTTGCTCCGGTGCTCATTCATCTGGTCTTCCAAGGTC[C>T]GGCACATCTTCTCCAGGTTAGCCTGAGAAGGGAAGGAGAGTTATATGATGGATGTTGGGG-3'
Protein context (NP_000248.2, residues 1240-1260): KAKANLEKMC[Arg1250Gln]TLEDQMNEHR

ClinVar aggregate classification (germline): Uncertain significance. Review status: criteria provided, multiple submitters, no conflicts (2 of 4 stars). 2 submissions from 2 submitters: Uncertain significance (2). Last evaluated 2025-04-11.

Conditions:
Cardiovascular phenotype. Identifiers: MedGen CN230736.
Hypertrophic cardiomyopathy. Also called: HYPERTROPHIC MYOCARDIOPATHY. Identifiers: Orphanet 217569, MedGen C0007194, MeSH D002312, MONDO:0005045, HP:0001639.

Allele frequency attached by ClinVar (database versions not stated): gnomAD 0.00001; 1000 Genomes Project 30x 0.00016; 1000 Genomes Project 0.00020.
gnomAD v4.1: 6 of 1,613,498 alleles (0.00037%); highest among the groups gnomAD compares: East Asian, 0.0022%; no homozygotes.

Submissions (2):

Labcorp Genetics (formerly Invitae), Labcorp
Classification: Uncertain significance for Hypertrophic cardiomyopathy. Last evaluated: 2025-04-11. Review status: criteria provided, single submitter. Criteria: Invitae Variant Classification Sherloc (09022015). Collection method: clinical testing. Allele origin: germline.
Comment: This sequence change replaces arginine, which is basic and polar, with glutamine, which is neutral and polar, at codon 1250 of the MYH7 protein (p.Arg1250Gln). This variant is present in population databases (rs540263945, gnomAD 0.005%). This variant has not been reported in the literature in individuals affected with MYH7-related conditions. ClinVar contains an entry for this variant (Variation ID: 2089214). Invitae Evidence Modeling of protein sequence and biophysical properties (such as structural, functional, and spatial information, amino acid conservation, physicochemical variation, residue mobility, and thermodynamic stability) indicates that this missense variant is expected to disrupt MYH7 protein function with a positive predictive value of 95%. This variant disrupts the p.Arg1250 amino acid residue in MYH7. Other variant(s) that disrupt this residue have been observed in individuals with MYH7-related conditions (PMID: 20031619, 29121657), which suggests that this may be a clinically significant amino acid residue. In summary, the available evidence is currently insufficient to determine the role of this variant in disease. Therefore, it has been classified as a Variant of Uncertain Significance.

Ambry Genetics
Classification: Uncertain significance for Cardiovascular phenotype. Last evaluated: 2017-02-14. Review status: criteria provided, single submitter. Criteria: Ambry Variant Classification Scheme 2023. Collection method: clinical testing. Allele origin: germline.
Comment: The p.R1250Q variant (also known as c.3749G>A), located in coding exon 26 of the MYH7 gene, results from a G to A substitution at nucleotide position 3749. The arginine at codon 1250 is replaced by glutamine, an amino acid with highly similar properties. This variant has not been described in the literature to date; however, another alteration involving the same amino acid, p.R1250W (c.3748C>T), has been reported in a family with congestive heart failure, dilated cardiomyopathy (DCM), and left ventricular hypertrabeculation (Dellefave LM et al. Circ Cardiovasc Genet. 2009;2:442-9). This amino acid position is highly conserved in available vertebrate species. In addition, p.R1250Q is predicted to be probably damaging and deleterious by PolyPhen and SIFT in silico analyses, respectively. Since supporting evidence is limited at this time, the clinical significance of this alteration remains unclear.

Literature cited by the submitters: PubMed 20031619 (cited by Labcorp Genetics (formerly Invitae), Labcorp and Ambry Genetics); PubMed 29121657 (cited by Labcorp Genetics (formerly Invitae), Labcorp).